The following is an entry in ClinVar:

ClinVar aggregate classification (germline): Uncertain significance. Review status: criteria provided, multiple submitters, no conflicts (2 of 4 stars). 2 submissions from 2 submitters: Uncertain significance (2). Last evaluated 2022-03-10.

Allele frequency attached by ClinVar (database versions not stated): gnomAD exomes below 0.00001; TOPMed 0.00001.
gnomAD v4.1: 2 of 1,613,482 alleles (0.00012%); highest among the groups gnomAD compares: Non-Finnish European, 0.000085%; no homozygotes.

Submissions (2):

Labcorp Genetics (formerly Invitae), Labcorp
Classification: Uncertain significance. Last evaluated: 2022-03-10. Review status: criteria provided, single submitter. Criteria: Invitae Variant Classification Sherloc (09022015). Collection method: clinical testing. Allele origin: germline.
Comment: ClinVar contains an entry for this variant (Variation ID: 1044035). Algorithms developed to predict the effect of missense changes on protein structure and function are either unavailable or do not agree on the potential impact of this missense change (SIFT: "Deleterious"; PolyPhen-2: "Possibly Damaging"; Align-GVGD: "Class C15"). Algorithms developed to predict the effect of sequence changes on RNA splicing suggest that this variant may create or strengthen a splice site. In summary, the available evidence is currently insufficient to determine the role of this variant in disease. Therefore, it has been classified as a Variant of Uncertain Significance. This sequence change replaces aspartic acid, which is acidic and polar, with glycine, which is neutral and non-polar, at codon 1327 of the RIMS1 protein (p.Asp1327Gly). This variant is not present in population databases (gnomAD no frequency). This missense change has been observed in individual(s) with clinical features of inherited retinal disease (Invitae).

Revvity Omics, Revvity
Classification: Uncertain significance. Last evaluated: 2022-01-25. Review status: criteria provided, single submitter. Criteria: ACMG Guidelines, 2015. Collection method: clinical testing. Allele origin: germline.

NM_014989.7(RIMS1):c.3980A>G (p.Asp1327Gly)

Gene: RIMS1 (regulating synaptic membrane exocytosis 1; plus strand). Cytogenetic location: 6q13.
Variant type: single nucleotide variant.
Coding change: c.3980A>G on transcript NM_014989.7 (MANE Select); coding-DNA position 3980, A replaced by G.
Protein change: p.Asp1327Gly; replaces aspartic acid 1327 with glycine.
Molecular consequence: missense variant. On other transcripts: intron variant (24).
Genome position (GRCh38, 1-based): chr6:72,313,522, A>G. VCF-style: chr6-72313522-A-G. GRCh37 (hg19) VCF-style: chr6-73023225-A-G.
Other names: c.1940A>G, p.Asp647Gly (NM_001168407.2); c.1901A>G, p.Asp634Gly (NM_001350414.2); c.2024A>G, p.Asp675Gly (NM_001350415.2); c.1973A>G, p.Asp658Gly (NM_001350416.2); c.1946A>G, p.Asp649Gly (NM_001350418.2); c.2054A>G, p.Asp685Gly (NM_001350420.2); c.1799A>G, p.Asp600Gly (NM_001350421.2); c.1715A>G, p.Asp572Gly (NM_001350423.2, NM_001350444.2); and 52 more; short protein forms D542G, D573G, D607G, D623G, D650G, D662G, D676G, D679G.
Identifiers: ClinVar variation 1044035 (VCV001044035.11), dbSNP rs1473853499, ClinGen allele CA364690928.